The following is an entry in ClinVar:

ClinVar aggregate classification (germline): Pathogenic (1 of 4 stars; one submission).

Submission:

Labcorp Genetics (formerly Invitae), Labcorp
Classification: Pathogenic. Last evaluated: 2023-02-14. Review status: criteria provided, single submitter. Criteria: Invitae Variant Classification Sherloc (09022015). Collection method: clinical testing. Allele origin: germline.
Comment: This sequence change creates a premature translational stop signal (p.Lys1225Serfs*40) in the ABCC8 gene. It is expected to result in an absent or disrupted protein product. Loss-of-function variants in ABCC8 are known to be pathogenic (PMID: 20685672, 23345197). This variant is not present in population databases (gnomAD no frequency). This variant has not been reported in the literature in individuals affected with ABCC8-related conditions. For these reasons, this variant has been classified as Pathogenic.

Literature cited by the submitters: PubMed 20685672; PubMed 23345197.

NM_000352.6(ABCC8):c.3674del (p.Lys1225fs)

Gene: ABCC8 (ATP binding cassette subfamily C member 8; minus strand). Cytogenetic location: 11p15.1.
Variant type: Deletion.
Coding change: c.3674del on transcript NM_000352.6 (MANE Select); coding-DNA position 3674, one base deleted (A; older notation c.3674delA).
Protein change: p.Lys1225fs; shifts the reading frame from lysine 1225.
Molecular consequence: frameshift variant. On other transcripts: non-coding transcript variant (1).
Genome position (GRCh38, 1-based): chr11:17,398,418, T deleted on the plus strand (A on the coding strand, the reverse complement: ABCC8 is on the minus strand); the first of 2 consecutive T bases (chr11:17,398,418-17,398,419); deleting either gives the same sequence. VCF-style (leftmost placement, unchanged base first): chr11-17398417-CT-C. GRCh37 (hg19) VCF-style: chr11-17419964-CT-C.
Other names: c.3677del, p.Lys1226fs (NM_001287174.3); c.3740del, p.Lys1247fs (NM_001351295.2); c.3674del, p.Lys1225fs (NM_001351296.2); c.3671del, p.Lys1224fs (NM_001351297.2); short protein forms K1224fs, K1225fs, K1247fs, K1226fs.
Identifiers: ClinVar variation 2837429 (VCV002837429.3), dbSNP rs2496475676, ClinGen allele CA2739276237.
Genomic context (GRCh38, chr11:17,398,417, plus strand): 5'-TCTGTTGGCAGCTGTGAGGAAGAGGGAAGCAATGTTGTTGGAGTCTGTGTATTCGAGAAG[CT>C]TCTGCTGGAACCGGGCCTCATACCTGGAGGGAGGATGAGAAGCTCCTAAGGGAACAGTGT-3'